The following is an entry in ClinVar:

ClinVar aggregate classification (germline): Uncertain significance (1 of 4 stars; one submission).

Conditions:
Inborn genetic diseases. Identifiers: MedGen C0950123, MeSH D030342.

Submission:

Ambry Genetics
Classification: Uncertain significance for Inborn genetic diseases. Last evaluated: 2024-05-08. Review status: criteria provided, single submitter. Criteria: Ambry Variant Classification Scheme 2023. Collection method: clinical testing. Allele origin: germline.
Comment: The p.S1515G variant (also known as c.4543A>G), located in coding exon 26 of the ATR gene, results from an A to G substitution at nucleotide position 4543. The serine at codon 1515 is replaced by glycine, an amino acid with similar properties. This amino acid position is conserved. In addition, this alteration is predicted to be tolerated by in silico analysis. Based on the available evidence, the clinical significance of this variant remains unclear.

NM_001184.4(ATR):c.4543A>G (p.Ser1515Gly)

Gene: ATR (ATR serine/threonine kinase; minus strand). Cytogenetic location: 3q23.
Variant type: single nucleotide variant.
Coding change: c.4543A>G on transcript NM_001184.4 (MANE Select); coding-DNA position 4543, A replaced by G.
Protein change: p.Ser1515Gly; replaces serine 1515 with glycine.
Molecular consequence: missense variant.
Genome position (GRCh38, 1-based): chr3:142,513,599, T>C on the plus strand (A>G on the coding strand, the complement: ATR is on the minus strand). VCF-style: chr3-142513599-T-C. GRCh37 (hg19) VCF-style: chr3-142232441-T-C.
Other names: c.4351A>G, p.Ser1451Gly (NM_001354579.2); short protein forms S1451G, S1515G.
Identifiers: ClinVar variation 3330656 (VCV003330656.1).